The following is an entry in ClinVar:

ClinVar aggregate classification (germline): Likely benign (1 of 4 stars; one submission).

Allele frequency attached by ClinVar (database versions not stated): 1000 Genomes Project 30x 0.00016; TOPMed 0.00054; ExAC 0.00077; ESP Exome Variant Server 0.00085.
gnomAD v4.1: 1,467 of 1,614,218 alleles (0.091%); highest among the groups gnomAD compares: Non-Finnish European, 0.12%; 1 homozygote.

Submission:

CeGaT Center for Human Genetics Tuebingen
Classification: Likely benign. Last evaluated: 2023-04-01. Review status: criteria provided, single submitter. Criteria: CeGaT Center For Human Genetics Tuebingen Variant Classification Criteria Version 2. Collection method: clinical testing. Allele origin: germline. Affected: yes. Observed: 1 variant allele.
Comment: TMUB2: BP4, BP7

NM_001076674.3(TMUB2):c.786G>A (p.Glu262=)

Gene: TMUB2 (transmembrane and ubiquitin like domain containing 2; plus strand). Cytogenetic location: 17q21.31.
Variant type: single nucleotide variant.
Coding change: c.786G>A on transcript NM_001076674.3 (MANE Select); coding-DNA position 786, G replaced by A.
Protein change: p.Glu262=; no amino-acid change (glutamic acid 262 retained).
Molecular consequence: synonymous variant. On other transcripts: 3 prime UTR variant (1), non-coding transcript variant (5).
Genome position (GRCh38, 1-based): chr17:44,190,684, G>A. VCF-style: chr17-44190684-G-A. GRCh37 (hg19) VCF-style: chr17-42268052-G-A.
Other names: c.726G>A, p.Glu242= (NM_001353175.2, NM_001353176.2, NM_001353178.2 and 8 more transcripts); c.786G>A, p.Glu262= (NM_001353177.2, NM_001353181.2, NM_001353184.2); c.759G>A, p.Glu253= (NM_001353180.2, NM_001353189.2); c.648G>A, p.Glu216= (NM_001353185.2, NM_001353187.2); c.*152G>A (NM_001353186.2); c.615G>A, p.Glu205= (NM_001330235.2, NM_001353174.2).
Identifiers: ClinVar variation 2647821 (VCV002647821.24), dbSNP rs72822681, ClinGen allele CA8598599.
Genomic context (GRCh38, chr17:44,190,684, plus strand): 5'-CTCACCCCCAGGGTCAGCTGTTCCAGGCCCCTCAGCCTCCTTGGCCCCCTCGGCCACTGA[G>A]CCACCCAGCCTTGGTGTCAATGTGGGCAGCCTCATGGTGCCTGTCTTTGTGGTGCTGTTG-3'
Protein context (NP_001070142.1, residues 252-272): PSASLAPSAT[Glu262=]PPSLGVNVGS